The following is an entry in ClinVar:

NM_001110556.2(FLNA):c.6526G>A (p.Ala2176Thr)

Gene: FLNA (filamin A; minus strand). Cytogenetic location: Xq28.
Variant type: single nucleotide variant.
Coding change: c.6526G>A on transcript NM_001110556.2 (MANE Select); coding-DNA position 6526, G replaced by A.
Protein change: p.Ala2176Thr; replaces alanine 2176 with threonine.
Molecular consequence: missense variant.
Genome position (GRCh38, 1-based): chrX:154,352,424, C>T on the plus strand (G>A on the coding strand, the complement: FLNA is on the minus strand). VCF-style: chrX-154352424-C-T. GRCh37 (hg19) VCF-style: chrX-153580792-C-T.
Other names: c.6502G>A, p.Ala2168Thr (NM_001456.4); short protein forms A2168T, A2176T.
Identifiers: ClinVar variation 4088010 (VCV004088010.1).
Genomic context (GRCh38, chrX:154,352,424, plus strand): 5'-GGTTCTCCCCTTCCACGATCTCGGCCTCATGGGTCTTGCCCGATGGGCTGGTCACCTGGG[C>T]TGTCATATCCTGGATGCTAATTTCTGCAGGGTGGGGATGGGCTAGTGAGCAGCAGCCCTG-3'
Protein context (NP_001104026.1, residues 2166-2186): IPEISIQDMT[Ala2176Thr]QVTSPSGKTH

ClinVar aggregate classification (germline): Uncertain significance (1 of 4 stars; one submission).

Submission:

GeneDx
Classification: Uncertain significance. Last evaluated: 2025-03-26. Review status: criteria provided, single submitter. Criteria: GeneDx Variant Classification Process June 2021. Collection method: clinical testing. Allele origin: germline. Affected: yes.
Comment: Not observed at significant frequency in large population cohorts (gnomAD); In silico analysis supports that this missense variant has a deleterious effect on protein structure/function; Has not been previously published as pathogenic or benign to our knowledge